The following is an entry in ClinVar:

NM_024675.4(PALB2):c.2104A>C (p.Ile702Leu)

Gene: PALB2 (partner and localizer of BRCA2; minus strand). Cytogenetic location: 16p12.2.
Variant type: single nucleotide variant.
Coding change: c.2104A>C on transcript NM_024675.4 (MANE Select); coding-DNA position 2104, A replaced by C.
Protein change: p.Ile702Leu; replaces isoleucine 702 with leucine.
Molecular consequence: missense variant.
Genome position (GRCh38, 1-based): chr16:23,630,050, T>G on the plus strand (A>C on the coding strand, the complement: PALB2 is on the minus strand). VCF-style: chr16-23630050-T-G. GRCh37 (hg19) VCF-style: chr16-23641371-T-G.
Other names: short protein forms I702L.
Identifiers: ClinVar variation 141625 (VCV000141625.17), dbSNP rs587781888, ClinGen allele CA165971.

ClinVar aggregate classification (germline): Uncertain significance. Review status: criteria provided, multiple submitters, no conflicts (2 of 4 stars). 4 submissions from 4 submitters: Uncertain significance (4). Last evaluated 2024-08-07.

Conditions:
Hereditary cancer-predisposing syndrome. Also called: Neoplastic Syndromes, Hereditary; Tumor predisposition; Hereditary Cancer Syndrome; Hereditary neoplastic syndrome. Identifiers: Orphanet 140162, MedGen C0027672, MeSH D009386, MONDO:0015356.
Familial cancer of breast. Also called: BREAST CANCER, FAMILIAL; Hereditary breast cancer; hereditary breast carcinoma. Identifiers: Orphanet 227535, MedGen C0346153, MONDO:0016419, OMIM 114480. Disease mechanism: loss of function.

Allele frequency attached by ClinVar (database versions not stated): TOPMed below 0.00001; gnomAD 0.00001.
gnomAD v4.1: 3 of 1,614,022 alleles (0.00019%); highest among the groups gnomAD compares: Middle Eastern, 0.016%; no homozygotes.

Submissions (4):

Ambry Genetics
Classification: Uncertain significance for Hereditary cancer-predisposing syndrome. Last evaluated: 2024-08-07. Review status: criteria provided, single submitter. Criteria: Ambry Variant Classification Scheme 2023. Collection method: clinical testing. Allele origin: germline.
Comment: The p.I702L variant (also known as c.2104A>C), located in coding exon 5 of the PALB2 gene, results from an A to C substitution at nucleotide position 2104. The isoleucine at codon 702 is replaced by leucine, an amino acid with highly similar properties.This amino acid position is not well conserved in available vertebrate species. In addition, this alteration is predicted to be tolerated by in silico analysis. Since supporting evidence is limited at this time, the clinical significance of this alteration remains unclear.

Labcorp Genetics (formerly Invitae), Labcorp
Classification: Uncertain significance for Familial cancer of breast. Last evaluated: 2024-02-17. Review status: criteria provided, single submitter. Criteria: Invitae Variant Classification Sherloc (09022015). Collection method: clinical testing. Allele origin: germline.
Comment: This sequence change replaces isoleucine, which is neutral and non-polar, with leucine, which is neutral and non-polar, at codon 702 of the PALB2 protein (p.Ile702Leu). This variant is not present in population databases (gnomAD no frequency). This variant has not been reported in the literature in individuals affected with PALB2-related conditions. ClinVar contains an entry for this variant (Variation ID: 141625). Advanced modeling of protein sequence and biophysical properties (such as structural, functional, and spatial information, amino acid conservation, physicochemical variation, residue mobility, and thermodynamic stability) performed at Invitae indicates that this missense variant is not expected to disrupt PALB2 protein function with a negative predictive value of 80%. In summary, the available evidence is currently insufficient to determine the role of this variant in disease. Therefore, it has been classified as a Variant of Uncertain Significance.

Color Diagnostics, LLC DBA Color Health
Classification: Uncertain significance for Hereditary cancer-predisposing syndrome. Last evaluated: 2023-12-21. Review status: criteria provided, single submitter. Criteria: ACMG Guidelines, 2015. Collection method: clinical testing. Allele origin: germline.
Comment: This missense variant replaces isoleucine with leucine at codon 702 of the PALB2 protein. Computational prediction suggests that this variant may not impact protein structure and function. To our knowledge, functional studies have not been reported for this variant. This variant has not been reported in individuals affected with PALB2-related disorders in the literature. This variant has not been identified in the general population by the Genome Aggregation Database (gnomAD). The available evidence is insufficient to determine the role of this variant in disease conclusively. Therefore, this variant is classified as a Variant of Uncertain Significance.

Baylor Genetics
Classification: Uncertain significance for Familial cancer of breast. Last evaluated: 2023-05-15. Review status: criteria provided, single submitter. Criteria: ACMG Guidelines, 2015. Collection method: clinical testing. Allele origin: unknown.